The following is an entry in ClinVar:

ClinVar aggregate classification (germline): Uncertain significance (1 of 4 stars; one submission).

Conditions:
Retinitis pigmentosa 33 (RP33). Identifiers: Orphanet 791, MedGen C1835895, MONDO:0012477, OMIM 610359.

Submission:

3billion
Classification: Uncertain significance for Retinitis pigmentosa 33. Last evaluated: 2025-11-25. Review status: criteria provided, single submitter. Criteria: ACMG Guidelines, 2015. Collection method: clinical testing. Allele origin: germline. Affected: yes.
Comment: The variant is not observed in the gnomAD v4.1.0 dataset. Predicted Consequence/Location: Missense variant. Missense changes are a common disease-causing mechanism. Damaging effect on gene or gene product predicted by in silico programs is uncertain [REVEL: 0.52 (damaging >=0.6, benign <0.4), 3Cnet: 0.22 (damaging >0.75, benign <0.1)]. Therefore, this variant is classified as VUS according to the recommendation of ACMG/AMP guideline.

NM_014014.5(SNRNP200):c.2537C>A (p.Ala846Glu)

Gene: SNRNP200 (small nuclear ribonucleoprotein U5 subunit 200; minus strand). Cytogenetic location: 2q11.2.
Variant type: single nucleotide variant.
Coding change: c.2537C>A on transcript NM_014014.5 (MANE Select); coding-DNA position 2537, C replaced by A.
Protein change: p.Ala846Glu; replaces alanine 846 with glutamic acid.
Molecular consequence: missense variant.
Genome position (GRCh38, 1-based): chr2:96,290,700, G>T on the plus strand (C>A on the coding strand, the complement: SNRNP200 is on the minus strand). VCF-style: chr2-96290700-G-T. GRCh37 (hg19) VCF-style: chr2-96956438-G-T.
Other names: short protein forms A846E.
Identifiers: ClinVar variation 4854624 (VCV004854624.1).